The following is an entry in ClinVar:

NM_001845.6(COL4A1):c.616-11G>C

Gene: COL4A1 (collagen type IV alpha 1 chain; minus strand). Cytogenetic location: 13q34.
Variant type: single nucleotide variant.
Coding change: c.616-11G>C on transcript NM_001845.6 (MANE Select); 11 bases into the intron before coding-DNA position 616, G replaced by C.
Molecular consequence: intron variant.
Genome position (GRCh38, 1-based): chr13:110,209,438, C>G on the plus strand (G>C on the coding strand, the complement: COL4A1 is on the minus strand). VCF-style: chr13-110209438-C-G. GRCh37 (hg19) VCF-style: chr13-110861785-C-G.
Other names: c.616-11G>C (NM_001303110.2).
Identifiers: ClinVar variation 258261 (VCV000258261.30), dbSNP rs645114, ClinGen allele CA7048389.

ClinVar aggregate classification (germline): Benign. Review status: criteria provided, multiple submitters, no conflicts (2 of 4 stars). 13 submissions from 11 submitters: Benign (10). 3 of the submissions do not count toward it. Last evaluated 2026-02-04.

Conditions:
Brain small vessel disease 1 with or without ocular anomalies (BSVD1). Also called: BRAIN SMALL VESSEL DISEASE WITH HEMORRHAGE; PORENCEPHALY, TYPE 1, AUTOSOMAL DOMINANT; GOULD SYNDROME 1; Brain small vessel disease with or without ocular anomalies. Identifiers: Orphanet 2940, Orphanet 36383, Orphanet 99810, MedGen C4755307, MONDO:0008289, OMIM 175780.
Autosomal dominant familial hematuria-retinal arteriolar tortuosity-contractures syndrome. Also called: Angiopathy, hereditary, with nephropathy, aneurysms, and muscle cramps; Hereditary Angiopathy with Nephropathy, Aneurysms, and Muscle Cramps (HANAC) Syndrome. Identifiers: Orphanet 73229, MedGen C2673195, MONDO:0012726, OMIM 611773.

Allele frequency attached by ClinVar (database versions not stated): gnomAD 0.84459 and 0.84738; TOPMed 0.84890; ESP Exome Variant Server 0.85008; 1000 Genomes Project 0.86122; 1000 Genomes Project 30x 0.86259.
gnomAD v4.1: 1,331,038 of 1,585,326 alleles (84%); highest among the groups gnomAD compares: South Asian, 90%; 559,610 homozygotes.

Submissions (13):

Labcorp Genetics (formerly Invitae), Labcorp
Classification: Benign. Last evaluated: 2026-02-04. Review status: criteria provided, single submitter. Criteria: Invitae Variant Classification Sherloc (09022015). Collection method: clinical testing. Allele origin: germline.

Blueprint Genetics
Classification: Benign. Last evaluated: 2024-11-27. Review status: criteria provided, single submitter. Criteria: ACMG Guidelines, 2015. Collection method: clinical testing. Allele origin: germline.

Genome-Nilou Lab
Classification: Benign for Autosomal dominant familial hematuria-retinal arteriolar tortuosity-contractures syndrome. Last evaluated: 2021-07-22. Review status: criteria provided, single submitter. Criteria: ACMG Guidelines, 2015. Collection method: clinical testing. Allele origin: germline. Affected: no.

Genome-Nilou Lab
Classification: Benign for Brain small vessel disease 1 with or without ocular anomalies. Last evaluated: 2021-07-22. Review status: criteria provided, single submitter. Criteria: ACMG Guidelines, 2015. Collection method: clinical testing. Allele origin: germline. Affected: no.

Illumina Laboratory Services, Illumina
Classification: Benign for Autosomal dominant familial hematuria-retinal arteriolar tortuosity-contractures syndrome. Last evaluated: 2018-01-13. Review status: criteria provided, single submitter. Criteria: ICSL Variant Classification Criteria 13 December 2019. Collection method: clinical testing. Allele origin: germline.
Comment: This variant was observed in the ICSL laboratory as part of a predisposition screen in an ostensibly healthy population. It had not been previously curated by ICSL or reported in the Human Gene Mutation Database (HGMD: prior to June 1st, 2018), and was therefore a candidate for classification through an automated scoring system. Utilizing variant allele frequency, disease prevalence and penetrance estimates, and inheritance mode, an automated score was calculated to assess if this variant is too frequent to cause the disease. Based on the score and internal cut-off values, a variant classified as benign is not then subjected to further curation. The score for this variant resulted in a classification of benign for this disease.

Illumina Laboratory Services, Illumina
Classification: Benign for Brain small vessel disease 1 with or without ocular anomalies. Last evaluated: 2018-01-13. Review status: criteria provided, single submitter. Criteria: ICSL Variant Classification Criteria 13 December 2019. Collection method: clinical testing. Allele origin: germline.
Comment: the same text as in the submission from Illumina Laboratory Services, Illumina above.

Eurofins Ntd Llc (ga)
Classification: Benign. Last evaluated: 2016-12-29. Review status: criteria provided, single submitter. Criteria: EGL Classification Definitions 2015. Collection method: clinical testing. Allele origin: germline. Observed: 1 variant allele, 1 homozygote.

GeneDx
Classification: Benign. Last evaluated: 2016-03-10. Review status: criteria provided, single submitter. Criteria: GeneDx Variant Classification (06012015). Collection method: clinical testing. Allele origin: germline. Affected: yes.
Comment: This variant is considered likely benign or benign based on one or more of the following criteria: it is a conservative change, it occurs at a poorly conserved position in the protein, it is predicted to be benign by multiple in silico algorithms, and/or has population frequency not consistent with disease.

Breakthrough Genomics
Classification: Benign. Review status: criteria provided, single submitter. Criteria: ACMG Guidelines, 2015. Collection method: not provided. Allele origin: germline. Inheritance: Autosomal dominant inheritance. Affected: yes.

PreventionGenetics, part of Exact Sciences
Classification: Benign. Review status: criteria provided, single submitter. Criteria: ACMG Guidelines, 2015. Collection method: clinical testing. Allele origin: germline.

Clinical Genetics DNA and cytogenetics Diagnostics Lab, Erasmus MC, Erasmus Medical Center
Classification: Benign. Review status: no assertion criteria provided. Collection method: clinical testing. Allele origin: germline. Affected: yes. Study: VKGL Data-share Consensus. Not counted in ClinVar's aggregate classification.

Diagnostic Laboratory, Department of Genetics, University Medical Center Groningen
Classification: Benign. Review status: no assertion criteria provided. Collection method: clinical testing. Allele origin: germline. Affected: yes. Study: VKGL Data-share Consensus. Not counted in ClinVar's aggregate classification.

Joint Genome Diagnostic Labs from Nijmegen and Maastricht, Radboudumc and MUMC+
Classification: Benign. Review status: no assertion criteria provided. Collection method: clinical testing. Allele origin: germline. Affected: yes. Study: VKGL Data-share Consensus. Not counted in ClinVar's aggregate classification.